The following is an entry in ClinVar:

NM_001378969.1(KCND3):c.1897C>A (p.Pro633Thr)

Gene: KCND3 (potassium voltage-gated channel subfamily D member 3; minus strand). Cytogenetic location: 1p13.2.
Variant type: single nucleotide variant.
Coding change: c.1897C>A on transcript NM_001378969.1 (MANE Select); coding-DNA position 1897, C replaced by A.
Protein change: p.Pro633Thr; replaces proline 633 with threonine.
Molecular consequence: missense variant.
Genome position (GRCh38, 1-based): chr1:111,776,148, G>T on the plus strand (C>A on the coding strand, the complement: KCND3 is on the minus strand). VCF-style: chr1-111776148-G-T. GRCh37 (hg19) VCF-style: chr1-112318770-G-T.
Other names: c.1840C>A, p.Pro614Thr (NM_001378970.1, NM_172198.3); c.1897C>A, p.Pro633Thr (NM_004980.5); short protein forms P633T, P614T.
Identifiers: ClinVar variation 1782178 (VCV001782178.2), dbSNP rs780988439, ClinGen allele CA1007320.

ClinVar aggregate classification (germline): Uncertain significance (1 of 4 stars; one submission).

Conditions:
Cardiovascular phenotype. Identifiers: MedGen CN230736.

gnomAD v4.1: 4 of 1,614,116 alleles (0.00025%); highest among the groups gnomAD compares: African/African-American, 0.0013%; no homozygotes.

Submission:

Ambry Genetics
Classification: Uncertain significance for Cardiovascular phenotype. Last evaluated: 2024-03-13. Review status: criteria provided, single submitter. Criteria: Ambry Variant Classification Scheme 2023. Collection method: clinical testing. Allele origin: germline.
Comment: The p.P633T variant (also known as c.1897C>A), located in coding exon 7 of the KCND3 gene, results from a C to A substitution at nucleotide position 1897. The proline at codon 633 is replaced by threonine, an amino acid with highly similar properties. This amino acid position is well conserved in available vertebrate species; however, threonine is the reference amino acid in other vertebrate species. In addition, the in silico prediction for this alteration is inconclusive. Since supporting evidence is limited at this time, the clinical significance of this alteration remains unclear.